The following is an entry in ClinVar:

NM_133497.4(KCNV2):c.1324A>G (p.Thr442Ala)

Gene: KCNV2 (potassium voltage-gated channel modifier subfamily V member 2; plus strand). Cytogenetic location: 9p24.2.
Variant type: single nucleotide variant.
Coding change: c.1324A>G on transcript NM_133497.4 (MANE Select); coding-DNA position 1324, A replaced by G.
Protein change: p.Thr442Ala; replaces threonine 442 with alanine.
Molecular consequence: missense variant.
Genome position (GRCh38, 1-based): chr9:2,719,063, A>G. VCF-style: chr9-2719063-A-G. GRCh37 (hg19) VCF-style: chr9-2719063-A-G.
Other names: short protein forms T442A.
Identifiers: ClinVar variation 1396025 (VCV001396025.6), dbSNP rs2130862070, ClinGen allele CA372802728.

ClinVar aggregate classification (germline): Uncertain significance (1 of 4 stars; one submission).

Submission:

Labcorp Genetics (formerly Invitae), Labcorp
Classification: Uncertain significance. Last evaluated: 2021-08-16. Review status: criteria provided, single submitter. Criteria: Invitae Variant Classification Sherloc (09022015). Collection method: clinical testing. Allele origin: germline.
Comment: This sequence change replaces threonine with alanine at codon 442 of the KCNV2 protein (p.Thr442Ala). The threonine residue is highly conserved and there is a small physicochemical difference between threonine and alanine. This variant is not present in population databases (ExAC no frequency). This variant has not been reported in the literature in individuals affected with KCNV2-related conditions. Advanced modeling of protein sequence and biophysical properties (such as structural, functional, and spatial information, amino acid conservation, physicochemical variation, residue mobility, and thermodynamic stability) performed at Invitae indicates that this missense variant is not expected to disrupt KCNV2 protein function. In summary, the available evidence is currently insufficient to determine the role of this variant in disease. Therefore, it has been classified as a Variant of Uncertain Significance.